The following is an entry in ClinVar:

ClinVar aggregate classification (germline): Uncertain significance (1 of 4 stars; one submission).

Conditions:
VWF-related disorder. Also called: VWF-related condition; VWF-related disorders.

gnomAD v4.1: 10 of 1,613,908 alleles (0.00062%); highest among the groups gnomAD compares: East Asian, 0.0045%; no homozygotes.

Submission:

PreventionGenetics, part of Exact Sciences
Classification: Uncertain significance for VWF-related condition. Last evaluated: 2025-10-06. Review status: criteria provided, single submitter. Criteria: ACMG Guidelines, 2015. Collection method: clinical testing. Allele origin: germline.
Comment: The VWF c.4276C>T variant is predicted to result in the amino acid substitution p.Arg1426Cys. This variant has been reported in at least 2 individuals with Von Willebrand disease 2M (Veyradier et al. 2016. PubMed ID: 26986123; Woods et al. 2017. PubMed ID: 30046717). This variant is reported in 0.0062% of alleles in individuals of African descent in gnomAD. Although we suspect that this variant may be pathogenic, at this time, the clinical significance of this variant is uncertain due to the absence of conclusive functional and genetic evidence.

NM_000552.5(VWF):c.4276C>T (p.Arg1426Cys)

Gene: VWF (von Willebrand factor; minus strand). Cytogenetic location: 12p13.31.
Variant type: single nucleotide variant.
Coding change: c.4276C>T on transcript NM_000552.5 (MANE Select); coding-DNA position 4276, C replaced by T.
Protein change: p.Arg1426Cys; replaces arginine 1426 with cysteine.
Molecular consequence: missense variant.
Genome position (GRCh38, 1-based): chr12:6,019,142, G>A on the plus strand (C>T on the coding strand, the complement: VWF is on the minus strand). VCF-style: chr12-6019142-G-A. GRCh37 (hg19) VCF-style: chr12-6128308-G-A.
Other names: short protein forms R1426C.
Identifiers: ClinVar variation 4985722 (VCV004985722.1).
Genomic context (GRCh38, chr12:6,019,142, plus strand): 5'-GCTCATCCACACTGCTCAGCACGAAGGCCTTGTTCTCAGGGGCCTGCTTCTCGATGAGGC[G>A]GATCTGCTTGAGGTTGGCATGGGGCCCAATGCCCACCGGGATCACAATGACCTTCTTCTT-3'
Protein context (NP_000543.3, residues 1416-1436): IGPHANLKQI[Arg1426Cys]LIEKQAPENK